The following is an entry in ClinVar:

NM_020964.3(EPG5):c.2626C>T (p.Arg876Trp)

Gene: EPG5 (ectopic P-granules 5 autophagy tethering factor; minus strand). Cytogenetic location: 18q21.1.
Variant type: single nucleotide variant.
Coding change: c.2626C>T on transcript NM_020964.3 (MANE Select); coding-DNA position 2626, C replaced by T.
Protein change: p.Arg876Trp; replaces arginine 876 with tryptophan.
Molecular consequence: missense variant.
Genome position (GRCh38, 1-based): chr18:45,925,830, G>A on the plus strand (C>T on the coding strand, the complement: EPG5 is on the minus strand). VCF-style: chr18-45925830-G-A. GRCh37 (hg19) VCF-style: chr18-43505796-G-A.
Other names: short protein forms R876W.
Identifiers: ClinVar variation 1380640 (VCV001380640.4), dbSNP rs755283620, ClinGen allele CA8949381.

ClinVar aggregate classification (germline): Uncertain significance (1 of 4 stars; one submission).

Conditions:
Vici syndrome (VICIS). Identifiers: Orphanet 1493, MedGen C1855772, MONDO:0009452, OMIM 242840.

Allele frequency attached by ClinVar (database versions not stated): ExAC 0.00001; gnomAD 0.00001; gnomAD exomes 0.00001; TOPMed 0.00001.
gnomAD v4.1: 21 of 1,583,742 alleles (0.0013%); highest among the groups gnomAD compares: South Asian, 0.0082%; no homozygotes.

Submission:

Labcorp Genetics (formerly Invitae), Labcorp
Classification: Uncertain significance for Vici syndrome. Last evaluated: 2021-09-10. Review status: criteria provided, single submitter. Criteria: Invitae Variant Classification Sherloc (09022015). Collection method: clinical testing. Allele origin: germline.
Comment: This sequence change replaces arginine with tryptophan at codon 876 of the EPG5 protein (p.Arg876Trp). The arginine residue is moderately conserved and there is a moderate physicochemical difference between arginine and tryptophan. This variant is present in population databases (rs755283620, ExAC 0.009%). This variant has not been reported in the literature in individuals affected with EPG5-related conditions. Algorithms developed to predict the effect of missense changes on protein structure and function are either unavailable or do not agree on the potential impact of this missense change (SIFT: "Deleterious"; PolyPhen-2: "Probably Damaging"; Align-GVGD: "Class C0"). In summary, the available evidence is currently insufficient to determine the role of this variant in disease. Therefore, it has been classified as a Variant of Uncertain Significance.